The following is an entry in ClinVar:

NM_006277.3(ITSN2):c.1373G>A (p.Arg458His)

Gene: ITSN2 (intersectin 2; minus strand). Cytogenetic location: 2p23.3.
Variant type: single nucleotide variant.
Coding change: c.1373G>A on transcript NM_006277.3 (MANE Select); coding-DNA position 1373, G replaced by A.
Protein change: p.Arg458His; replaces arginine 458 with histidine.
Molecular consequence: missense variant.
Genome position (GRCh38, 1-based): chr2:24,298,786, C>T on the plus strand (G>A on the coding strand, the complement: ITSN2 is on the minus strand). VCF-style: chr2-24298786-C-T. GRCh37 (hg19) VCF-style: chr2-24521655-C-T.
Other names: c.1331G>A, p.Arg444His (NM_001348181.2, NM_001348184.2); c.1373G>A, p.Arg458His (NM_001348182.2, NM_001348183.2, NM_001348185.2 and 3 more transcripts); short protein forms R444H, R458H.
Identifiers: ClinVar variation 2512103 (VCV002512103.6), dbSNP rs200633067, ClinGen allele CA1551498.

ClinVar aggregate classification (germline): Uncertain significance. Review status: criteria provided, multiple submitters, no conflicts (2 of 4 stars). 2 submissions from 2 submitters: Uncertain significance (2). Last evaluated 2025-11-13.

Allele frequency attached by ClinVar (database versions not stated): ExAC 0.00002; 1000 Genomes Project 30x 0.00047; gnomAD exomes 0.00001; gnomAD 0.00005; TOPMed 0.00011; 1000 Genomes Project 0.00040.
gnomAD v4.1: 25 of 1,600,724 alleles (0.0016%); highest among the groups gnomAD compares: Admixed American, 0.01%; no homozygotes.

Submissions (2):

Labcorp Genetics (formerly Invitae), Labcorp
Classification: Uncertain significance. Last evaluated: 2025-11-13. Review status: criteria provided, single submitter. Criteria: Invitae Variant Classification Sherloc (09022015). Collection method: clinical testing. Allele origin: germline.
Comment: This sequence change replaces arginine, which is basic and polar, with histidine, which is basic and polar, at codon 458 of the ITSN2 protein (p.Arg458His). This variant is present in population databases (rs200633067, gnomAD 0.007%). This variant has not been reported in the literature in individuals affected with ITSN2-related conditions. ClinVar contains an entry for this variant (Variation ID: 2512103). Experimental studies and prediction algorithms are not available or were not evaluated, and the functional significance of this variant is currently unknown. In summary, the available evidence is currently insufficient to determine the role of this variant in disease. Therefore, it has been classified as a Variant of Uncertain Significance.

Ambry Genetics
Classification: Uncertain significance. Last evaluated: 2025-07-02. Review status: criteria provided, single submitter. Criteria: Ambry Variant Classification Scheme 2023. Collection method: clinical testing. Allele origin: germline.